The following is an entry in ClinVar:

ClinVar aggregate classification (germline): Uncertain significance (1 of 4 stars; one submission).

Submission:

Labcorp Genetics (formerly Invitae), Labcorp
Classification: Uncertain significance. Last evaluated: 2025-06-01. Review status: criteria provided, single submitter. Criteria: Invitae Variant Classification Sherloc (09022015). Collection method: clinical testing. Allele origin: germline.
Comment: This sequence change replaces glutamic acid, which is acidic and polar, with valine, which is neutral and non-polar, at codon 725 of the CTNNA1 protein (p.Glu725Val). This variant is not present in population databases (gnomAD no frequency). This variant has not been reported in the literature in individuals affected with CTNNA1-related conditions. Invitae Evidence Modeling of protein sequence and biophysical properties (such as structural, functional, and spatial information, amino acid conservation, physicochemical variation, residue mobility, and thermodynamic stability) indicates that this missense variant is expected to disrupt CTNNA1 protein function with a positive predictive value of 80%. In summary, the available evidence is currently insufficient to determine the role of this variant in disease. Therefore, it has been classified as a Variant of Uncertain Significance.

NM_001903.5(CTNNA1):c.2174A>T (p.Glu725Val)

Gene: CTNNA1 (catenin alpha 1; plus strand). Cytogenetic location: 5q31.2.
Variant type: single nucleotide variant.
Coding change: c.2174A>T on transcript NM_001903.5 (MANE Select); coding-DNA position 2174, A replaced by T.
Protein change: p.Glu725Val; replaces glutamic acid 725 with valine.
Molecular consequence: missense variant.
Genome position (GRCh38, 1-based): chr5:138,930,636, A>T. VCF-style: chr5-138930636-A-T. GRCh37 (hg19) VCF-style: chr5-138266325-A-T.
Other names: c.2174A>T, p.Glu725Val (NM_001290307.3, NM_001323982.2, NM_001323983.1 and 2 more transcripts); c.1865A>T, p.Glu622Val (NM_001290309.3); c.1805A>T, p.Glu602Val (NM_001290310.3); c.1064A>T, p.Glu355Val (NM_001290312.1, NM_001323987.1, NM_001323988.1 and 17 more transcripts); c.2081A>T, p.Glu694Val (NM_001323986.2); c.725A>T, p.Glu242Val (NM_001324006.1, NM_001324007.1, NM_001324008.1 and 2 more transcripts); c.971A>T, p.Glu324Val (NM_001324011.1); c.821A>T, p.Glu274Val (NM_001324012.1, NM_001324013.1); short protein forms E242V, E274V, E324V, E355V, E602V, E622V, E694V, E725V.
Identifiers: ClinVar variation 4810710 (VCV004810710.1).